The following is an entry in ClinVar:

ClinVar aggregate classification (germline): Uncertain significance. Review status: criteria provided, multiple submitters, no conflicts (2 of 4 stars). 2 submissions from 2 submitters: Uncertain significance (2). Last evaluated 2026-05-26.

Submissions (2):

Women's Health and Genetics/Laboratory Corporation of America, LabCorp
Classification: Uncertain significance. Last evaluated: 2026-05-26. Review status: criteria provided, single submitter. Criteria: LabCorp Variant Classification Summary - May 2015. Collection method: clinical testing. Allele origin: germline.
Comment: Variant summary: FBN1 c.5894C>G (p.Ala1965Gly) results in a non-conservative amino acid change in the encoded protein sequence. Algorithms developed to predict the effect of missense changes on protein structure and function all suggest that this variant is likely to be disruptive. The variant was absent in 250790 control chromosomes. The available data on variant occurrences in the general population are insufficient to allow any conclusion about variant significance. To our knowledge, no occurrence of c.5894C>G in individuals affected with FBN1-related conditions and no experimental evidence demonstrating its impact on protein function have been reported. ClinVar contains an entry for this variant (Variation ID: 2579846). Based on the evidence outlined above, the variant was classified as uncertain significance.

GeneDx
Classification: Uncertain significance. Last evaluated: 2023-03-14. Review status: criteria provided, single submitter. Criteria: GeneDx Variant Classification Process June 2021. Collection method: clinical testing. Allele origin: germline. Affected: yes.
Comment: Has not been previously published as pathogenic or benign to our knowledge; Not observed at significant frequency in large population cohorts (gnomAD); Although located in a calcium-binding EGF-like domain of the FBN1 gene, it does not affect a cysteine residue within this domain; cysteine substitutions in the calcium-binding EGF-like domains represent the majority of pathogenic missense changes associated with FBN1-related disorders (Collod-Beroud et al., 2003); At the protein level, in silico analysis supports that this missense variant does not alter protein structure/function; At the mRNA level, in silico analysis supports a deleterious effect on splicing; This variant is associated with the following publications: (PMID: 12938084)

NM_000138.5(FBN1):c.5894C>G (p.Ala1965Gly)

Gene: FBN1 (fibrillin 1; minus strand). Cytogenetic location: 15q21.1.
Variant type: single nucleotide variant.
Coding change: c.5894C>G on transcript NM_000138.5 (MANE Select); coding-DNA position 5894, C replaced by G.
Protein change: p.Ala1965Gly; replaces alanine 1965 with glycine.
Molecular consequence: missense variant.
Genome position (GRCh38, 1-based): chr15:48,445,399, G>C on the plus strand (C>G on the coding strand, the complement: FBN1 is on the minus strand). VCF-style: chr15-48445399-G-C. GRCh37 (hg19) VCF-style: chr15-48737596-G-C.
Other names: c.5894C>G, p.Ala1965Gly (NM_001406716.1); short protein forms A1965G.
Identifiers: ClinVar variation 2579846 (VCV002579846.2), dbSNP rs2505455198, ClinGen allele CA392339966.